The following is an entry in ClinVar:

ClinVar aggregate classification (germline): Uncertain significance. Review status: criteria provided, multiple submitters, no conflicts (2 of 4 stars). 3 submissions from 3 submitters: Uncertain significance (3). Last evaluated 2025-10-14.

Conditions:
Inborn genetic diseases. Identifiers: MedGen C0950123, MeSH D030342.

Allele frequency attached by ClinVar (database versions not stated): gnomAD 0.00001; TOPMed 0.00002; ExAC 0.00003; gnomAD exomes 0.00003 and 0.00004; 1000 Genomes Project 30x 0.00016; 1000 Genomes Project 0.00020.
gnomAD v4.1: 43 of 1,612,308 alleles (0.0027%); highest among the groups gnomAD compares: East Asian, 0.0067%; no homozygotes.

Submissions (3):

Ambry Genetics
Classification: Uncertain significance for Inborn genetic diseases. Last evaluated: 2025-10-14. Review status: criteria provided, single submitter. Criteria: Ambry Variant Classification Scheme 2023. Collection method: clinical testing. Allele origin: germline.

CeGaT Center for Human Genetics Tuebingen
Classification: Uncertain significance. Last evaluated: 2024-07-01. Review status: criteria provided, single submitter. Criteria: CeGaT Center For Human Genetics Tuebingen Variant Classification Criteria Version 2. Collection method: clinical testing. Allele origin: germline. Affected: yes. Observed: 1 variant allele.
Comment: MCM3AP: PM2, BP4

Labcorp Genetics (formerly Invitae), Labcorp
Classification: Uncertain significance. Last evaluated: 2022-09-07. Review status: criteria provided, single submitter. Criteria: Invitae Variant Classification Sherloc (09022015). Collection method: clinical testing. Allele origin: germline.
Comment: This sequence change replaces threonine, which is neutral and polar, with methionine, which is neutral and non-polar, at codon 1757 of the MCM3AP protein (p.Thr1757Met). This variant is present in population databases (rs188996449, gnomAD 0.03%). This variant has not been reported in the literature in individuals affected with MCM3AP-related conditions. ClinVar contains an entry for this variant (Variation ID: 1437345). Algorithms developed to predict the effect of missense changes on protein structure and function are either unavailable or do not agree on the potential impact of this missense change (SIFT: "Deleterious"; PolyPhen-2: "Benign"; Align-GVGD: "Class C0"). In summary, the available evidence is currently insufficient to determine the role of this variant in disease. Therefore, it has been classified as a Variant of Uncertain Significance.

NM_003906.5(MCM3AP):c.5270C>T (p.Thr1757Met)

Genes: MCM3AP (minichromosome maintenance complex component 3 associated protein; minus strand), MCM3AP-AS1 (MCM3AP antisense RNA 1; plus strand). Cytogenetic location: 21q22.3.
Variant type: single nucleotide variant.
Coding change: c.5270C>T on transcript NM_003906.5 (MANE Select); coding-DNA position 5270, C replaced by T.
Protein change: p.Thr1757Met; replaces threonine 1757 with methionine.
Molecular consequence: missense variant.
Genome position (GRCh38, 1-based): chr21:46,243,491, G>A on the plus strand (C>T on the coding strand, the complement: MCM3AP is on the minus strand). VCF-style: chr21-46243491-G-A. GRCh37 (hg19) VCF-style: chr21-47663405-G-A.
Other names: c.5270C>T (NM_003906.3); short protein forms T1757M.
Identifiers: ClinVar variation 1437345 (VCV001437345.21), dbSNP rs188996449, ClinGen allele CA10075918.